The following is an entry in ClinVar:

ClinVar aggregate classification (germline): Uncertain significance (1 of 4 stars; one submission).

Submission:

Ambry Genetics
Classification: Uncertain significance. Last evaluated: 2025-04-17. Review status: criteria provided, single submitter. Criteria: Ambry Variant Classification Scheme 2023. Collection method: clinical testing. Allele origin: germline.
Comment: The p.V411I variant (also known as c.1231G>A), located in coding exon 11 of the GEN1 gene, results from a G to A substitution at nucleotide position 1231. The valine at codon 411 is replaced by isoleucine, an amino acid with highly similar properties. This amino acid position is conserved. In addition, this alteration is predicted to be tolerated by in silico analysis. Based on the available evidence, the clinical significance of this variant remains unclear.

NM_001130009.3(GEN1):c.1231G>A (p.Val411Ile)

Gene: GEN1 (GEN1 Holliday junction 5' flap endonuclease; plus strand). Cytogenetic location: 2p24.2.
Variant type: single nucleotide variant.
Coding change: c.1231G>A on transcript NM_001130009.3 (MANE Select); coding-DNA position 1231, G replaced by A.
Protein change: p.Val411Ile; replaces valine 411 with isoleucine.
Molecular consequence: missense variant.
Genome position (GRCh38, 1-based): chr2:17,778,030, G>A. VCF-style: chr2-17778030-G-A. GRCh37 (hg19) VCF-style: chr2-17959297-G-A.
Other names: c.1231G>A, p.Val411Ile (NM_182625.5); short protein forms V411I.
Identifiers: ClinVar variation 4029233 (VCV004029233.1).
Genomic context (GRCh38, chr2:17,778,030, plus strand): 5'-ATTAGACTTCATTAAATGAATTTGTTTTTCAGAATTGTTAAGACTCGAATCAGAAATGGA[G>A]TTCATTGTTTTGAAATAGAATGGGAAAAGCCTGGTATGTATTCACTTTAAGCAAAATATT-3'
Protein context (NP_001123481.3, residues 401-421): RIVKTRIRNG[Val411Ile]HCFEIEWEKP